The following is an entry in ClinVar:

ClinVar aggregate classification (germline): Benign. Review status: criteria provided, multiple submitters, no conflicts (2 of 4 stars). 8 submissions from 3 submitters: Benign (8). Last evaluated 2021-05-13.

Conditions:
Anophthalmia-microphthalmia syndrome. Also called: Anophthalmia/Microphthalmia; Anophthalmia - microphthalmia. Identifiers: Orphanet 98555, MedGen C5680330, MONDO:0020147.
11p partial monosomy syndrome (WAGR). Also called: WAGR Spectrum Disorder; WAGR syndrome; WAGR Complex; CHROMOSOME 11p13 DELETION SYNDROME. Identifiers: Orphanet 893, MedGen C0206115, MONDO:0008681, OMIM 194072.
Foveal hypoplasia 1. Also called: FOVEAL HYPOPLASIA 1 WITH OR WITHOUT ANTERIOR SEGMENT ANOMALIES AND/OR CATARACT; FOVEAL HYPOPLASIA 1 WITH ANTERIOR SEGMENT ANOMALIES. Identifiers: Orphanet 2253, MedGen C3805604, MONDO:0007628, OMIM 136520.
Aniridia 1 (AN1). Identifiers: Orphanet 250923, MedGen C0344542, MONDO:0024507, OMIM 106210.
Autosomal dominant keratitis. Also called: Keratitis, hereditary. Identifiers: Orphanet 2334, MedGen C1835698, MONDO:0007848, OMIM 148190.
carboxymethyl-dextran-A2-gadolinium-DOTA.

Allele frequency attached by ClinVar (database versions not stated): 1000 Genomes Project 30x 0.15303; 1000 Genomes Project 0.15395; gnomAD 0.22983; TOPMed 0.21879.
gnomAD v4.1: 53,704 of 232,178 alleles (23%); highest among the groups gnomAD compares: Non-Finnish European, 29%; 7,043 homozygotes.

Submissions (8):

GeneDx
Classification: Benign. Last evaluated: 2021-05-13. Review status: criteria provided, single submitter. Criteria: GeneDx Variant Classification Process June 2021. Collection method: clinical testing. Allele origin: germline. Affected: yes.

Illumina Laboratory Services, Illumina
Classification: Benign for Wilms tumor, aniridia, genitourinary anomalies, and mental retardation syndrome. Last evaluated: 2018-01-13. Review status: criteria provided, single submitter. Criteria: ICSL Variant Classification Criteria 13 December 2019. Collection method: clinical testing. Allele origin: germline.
Comment: This variant was observed in the ICSL laboratory as part of a predisposition screen in an ostensibly healthy population. It had not been previously curated by ICSL or reported in the Human Gene Mutation Database (HGMD: prior to June 1st, 2018), and was therefore a candidate for classification through an automated scoring system. Utilizing variant allele frequency, disease prevalence and penetrance estimates, and inheritance mode, an automated score was calculated to assess if this variant is too frequent to cause the disease. Based on the score and internal cut-off values, a variant classified as benign is not then subjected to further curation. The score for this variant resulted in a classification of benign for this disease.

Illumina Laboratory Services, Illumina
Classification: Benign for Foveal hypoplasia 1. Last evaluated: 2018-01-13. Review status: criteria provided, single submitter. Criteria: ICSL Variant Classification Criteria 13 December 2019. Collection method: clinical testing. Allele origin: germline.
Comment: the same text as in the submission from Illumina Laboratory Services, Illumina above.

Illumina Laboratory Services, Illumina
Classification: Benign for Aniridia 1. Last evaluated: 2018-01-13. Review status: criteria provided, single submitter. Criteria: ICSL Variant Classification Criteria 13 December 2019. Collection method: clinical testing. Allele origin: germline.
Comment: the same text as in the submission from Illumina Laboratory Services, Illumina above.

Illumina Laboratory Services, Illumina
Classification: Benign for carboxymethyl-dextran-A2-gadolinium-DOTA. Last evaluated: 2018-01-13. Review status: criteria provided, single submitter. Criteria: ICSL Variant Classification Criteria 13 December 2019. Collection method: clinical testing. Allele origin: germline.
Comment: the same text as in the submission from Illumina Laboratory Services, Illumina above.

Illumina Laboratory Services, Illumina
Classification: Benign for Anophthalmia-microphthalmia syndrome. Last evaluated: 2018-01-13. Review status: criteria provided, single submitter. Criteria: ICSL Variant Classification Criteria 13 December 2019. Collection method: clinical testing. Allele origin: germline.
Comment: the same text as in the submission from Illumina Laboratory Services, Illumina above.

Illumina Laboratory Services, Illumina
Classification: Benign for Autosomal dominant keratitis. Last evaluated: 2018-01-13. Review status: criteria provided, single submitter. Criteria: ICSL Variant Classification Criteria 13 December 2019. Collection method: clinical testing. Allele origin: germline.
Comment: the same text as in the submission from Illumina Laboratory Services, Illumina above.

Breakthrough Genomics
Classification: Benign. Review status: criteria provided, single submitter. Criteria: ACMG Guidelines, 2015. Collection method: not provided. Allele origin: germline. Inheritance: Autosomal dominant inheritance. Affected: yes.

NM_000280.4(PAX6):c.*2707C>T

Genes: ELP4 (elongator acetyltransferase complex subunit 4; plus strand), PAX6 (paired box 6; minus strand). Cytogenetic location: 11p13.
Variant type: single nucleotide variant.
Coding change: c.*2707C>T on transcript NM_000280.4; 2707 bases downstream of the stop codon, C replaced by T.
Molecular consequence: 3 prime UTR variant (on NM_019040.5).
Genome position (GRCh38, 1-based): chr11:31,787,227, G>A on the plus strand (C>T on the coding strand, the complement: PAX6 is on the minus strand). VCF-style: chr11-31787227-G-A. GRCh37 (hg19) VCF-style: chr11-31808775-G-A.
Other names: c.*3689G>A (NM_001288725.2); c.*3798G>A (NM_001288726.2); c.*3703G>A (NM_019040.5).
Identifiers: ClinVar variation 304321 (VCV000304321.11), dbSNP rs3026398, ClinGen allele CA10638904.
Genomic context (GRCh38, chr11:31,787,227, plus strand): 5'-AGAAGGCAAGGCAGCCGTTCCCATCCTGCCGGACCAGAGGGCTTCTGCAGCTGAGCAGCC[G>A]CTTCTTCAGACTATACCAGACTGTGCTACTTTGCCCTGGCAATCCTGACCTTCAGAGCAC-3'